The following is an entry in ClinVar:

NM_000051.4(ATM):c.7835G>A (p.Arg2612Lys)

Genes: ATM (ATM serine/threonine kinase; plus strand), C11orf65 (chromosome 11 open reading frame 65; minus strand). Cytogenetic location: 11q22.3.
Variant type: single nucleotide variant.
Coding change: c.7835G>A on transcript NM_000051.4 (MANE Select); coding-DNA position 7835, G replaced by A.
Protein change: p.Arg2612Lys; replaces arginine 2612 with lysine.
Molecular consequence: missense variant. On other transcripts: intron variant (2).
Genome position (GRCh38, 1-based): chr11:108,332,808, G>A. VCF-style: chr11-108332808-G-A. GRCh37 (hg19) VCF-style: chr11-108203535-G-A.
Other names: c.7835G>A, p.Arg2612Lys (NM_001351834.2); c.641-23737C>T (NM_001330368.2); c.*38+2412C>T (NM_001351110.2); short protein forms R2612K.
Identifiers: ClinVar variation 407542 (VCV000407542.9), dbSNP rs138048269, ClinGen allele CA6266199.

ClinVar aggregate classification (germline): Conflicting classifications of pathogenicity. Review status: criteria provided, conflicting classifications (1 of 4 stars). 3 submissions from 3 submitters: Uncertain significance (2); Likely benign (1). Last evaluated 2025-09-10.

Conditions:
Hereditary cancer-predisposing syndrome. Also called: Neoplastic Syndromes, Hereditary; Hereditary Cancer Syndrome; Tumor predisposition; Hereditary neoplastic syndrome. Identifiers: Orphanet 140162, MedGen C0027672, MeSH D009386, MONDO:0015356.
Ataxia-telangiectasia syndrome (AT). Also called: LOUIS-BAR SYNDROME; Cerebello-oculocutaneous telangiectasia; Immunodeficiency with ataxia telangiectasia; Ataxia-telangiectasia, complementation group D; AT, COMPLEMENTATION GROUP C; Ataxia-telangiectasia, complementation group E. Identifiers: Orphanet 100, MedGen C0004135, MONDO:0008840, OMIM 208900.

Allele frequency attached by ClinVar (database versions not stated): gnomAD exomes below 0.00001; ExAC 0.00001; ESP Exome Variant Server 0.00008.

Submissions (3):

Ambry Genetics
Classification: Likely benign for Hereditary cancer-predisposing syndrome. Last evaluated: 2025-09-10. Review status: criteria provided, single submitter. Criteria: Ambry Variant Classification Scheme 2023. Collection method: clinical testing. Allele origin: germline.

GeneDx
Classification: Uncertain significance. Last evaluated: 2023-02-07. Review status: criteria provided, single submitter. Criteria: GeneDx Variant Classification Process June 2021. Collection method: clinical testing. Allele origin: germline. Affected: yes.
Comment: Not observed at significant frequency in large population cohorts (gnomAD); In silico analysis supports that this missense variant does not alter protein structure/function; Has not been previously published as pathogenic or benign to our knowledge; This variant is associated with the following publications: (PMID: 26934580)

Labcorp Genetics (formerly Invitae), Labcorp
Classification: Uncertain significance for Ataxia-telangiectasia syndrome. Last evaluated: 2021-10-08. Review status: criteria provided, single submitter. Criteria: Invitae Variant Classification Sherloc (09022015). Collection method: clinical testing. Allele origin: germline.
Comment: In summary, the available evidence is currently insufficient to determine the role of this variant in disease. Therefore, it has been classified as a Variant of Uncertain Significance. Algorithms developed to predict the effect of sequence changes on RNA splicing suggest that this variant may create or strengthen a splice site. Algorithms developed to predict the effect of missense changes on protein structure and function output the following: SIFT: "Tolerated"; PolyPhen-2: "Benign"; Align-GVGD: "Class C0". The lysine amino acid residue is found in multiple mammalian species, which suggests that this missense change does not adversely affect protein function. This variant has not been reported in the literature in individuals affected with ATM-related conditions. This variant is present in population databases (rs138048269, ExAC 0.002%). This sequence change replaces arginine with lysine at codon 2612 of the ATM protein (p.Arg2612Lys). The arginine residue is weakly conserved and there is a small physicochemical difference between arginine and lysine.